The following is an entry in ClinVar:

NM_004366.6(CLCN2):c.1128G>A (p.Thr376=)

Gene: CLCN2 (chloride voltage-gated channel 2; minus strand). Cytogenetic location: 3q27.1.
Variant type: single nucleotide variant.
Coding change: c.1128G>A on transcript NM_004366.6 (MANE Select); coding-DNA position 1128, G replaced by A.
Protein change: p.Thr376=; no amino-acid change (threonine 376 retained).
Molecular consequence: synonymous variant.
Genome position (GRCh38, 1-based): chr3:184,355,736, C>T on the plus strand (G>A on the coding strand, the complement: CLCN2 is on the minus strand). VCF-style: chr3-184355736-C-T. GRCh37 (hg19) VCF-style: chr3-184073524-C-T.
Other names: p.Thr376=; c.1128G>A, p.Thr376= (NM_001171087.3, NM_001171089.3); c.996G>A, p.Thr332= (NM_001171088.3).
Identifiers: ClinVar variation 772042 (VCV000772042.12), dbSNP rs149773402, ClinGen allele CA2734228.

ClinVar aggregate classification (germline): Benign/Likely benign. Review status: criteria provided, multiple submitters, no conflicts (2 of 4 stars). 4 submissions from 4 submitters: Benign (1); Likely benign (2). 1 of the submissions does not count toward it. Last evaluated 2025-02-24.

Conditions:
CLCN2-related disorder. Also called: CLCN2-related disorders; CLCN2-related condition.
Leukoencephalopathy with mild cerebellar ataxia and white matter edema (LKPAT). Also called: Leukoencephalopathy with ataxia; Leukoencephalopathy with white matter edema; Brain white matter edema; CLCN2-Related Leukoencephalopathy. Identifiers: Orphanet 363540, MedGen C4554120, MONDO:0014292, OMIM 615651. Disease mechanism: loss of function.
Epilepsy, idiopathic generalized, susceptibility to, 11 (EIG11). Identifiers: Orphanet 307, MedGen C2750893, MONDO:0011875, OMIM 607628.
Familial hyperaldosteronism type II. Also called: FH II. Identifiers: Orphanet 404, MedGen C1854107, MONDO:0011576, OMIM 605635.

Allele frequency attached by ClinVar (database versions not stated): gnomAD exomes 0.00027; ExAC 0.00034; ESP Exome Variant Server 0.00085; gnomAD 0.00098 and 0.00109; 1000 Genomes Project 0.00100; 1000 Genomes Project 30x 0.00109; TOPMed 0.00109.
gnomAD v4.1: 287 of 1,614,136 alleles (0.018%); highest among the groups gnomAD compares: African/African-American, 0.32%; 1 homozygote.

Submissions (4):

Labcorp Genetics (formerly Invitae), Labcorp
Classification: Benign. Last evaluated: 2025-02-24. Review status: criteria provided, single submitter. Criteria: Invitae Variant Classification Sherloc (09022015). Collection method: clinical testing. Allele origin: germline.

Mayo Clinic Laboratories, Mayo Clinic
Classification: Likely benign. Last evaluated: 2025-01-06. Review status: criteria provided, single submitter. Criteria: ACMG Guidelines, 2015. Collection method: clinical testing. Allele origin: germline. Observed: 1 variant allele.
Comment: BS1

Fulgent Genetics
Classification: Likely benign for Familial hyperaldosteronism type II; Epilepsy, idiopathic generalized, susceptibility to, 11; Leukoencephalopathy with mild cerebellar ataxia and white matter edema. Last evaluated: 2021-10-20. Review status: criteria provided, single submitter. Criteria: ACMG Guidelines, 2015. Collection method: clinical testing. Allele origin: unknown.

PreventionGenetics, part of Exact Sciences
Classification: Likely benign for CLCN2-related condition. Last evaluated: 2021-05-13. Review status: no assertion criteria provided. Collection method: clinical testing. Allele origin: germline. Not counted in ClinVar's aggregate classification.
Comment: This variant is classified as likely benign based on ACMG/AMP sequence variant interpretation guidelines (Richards et al. 2015 PMID: 25741868, with internal and published modifications).